The following is an entry in ClinVar:

NM_000465.4(BARD1):c.1462A>G (p.Asn488Asp)

Gene: BARD1 (BRCA1 associated RING domain 1; minus strand). Cytogenetic location: 2q35.
Variant type: single nucleotide variant.
Coding change: c.1462A>G on transcript NM_000465.4 (MANE Select); coding-DNA position 1462, A replaced by G.
Protein change: p.Asn488Asp; replaces asparagine 488 with aspartic acid.
Molecular consequence: missense variant. On other transcripts: non-coding transcript variant (3), intron variant (3).
Genome position (GRCh38, 1-based): chr2:214,767,588, T>C on the plus strand (A>G on the coding strand, the complement: BARD1 is on the minus strand). VCF-style: chr2-214767588-T-C. GRCh37 (hg19) VCF-style: chr2-215632312-T-C.
Other names: c.1405A>G, p.Asn469Asp (NM_001282543.2); c.159-15033A>G (NM_001282548.2); c.216-15033A>G (NM_001282545.2); c.364+24709A>G (NM_001282549.2); short protein forms N488D, N469D.
Identifiers: ClinVar variation 232130 (VCV000232130.16), dbSNP rs876659573, ClinGen allele CA10577804.
Genomic context (GRCh38, chr2:214,767,588, plus strand): 5'-CCACATGCCCATTCTTGGCTGCATCGTGAAGTGGTGAGTCATTTTGATACCCGGTGGTGT[T>C]CACCAATGCCTTATGCTGGAGCAATAATTCCACTACCTTCAGGTGCCCATGATTGCAAGC-3'
Protein context (NP_000456.2, residues 478-498): ELLLQHKALV[Asn488Asp]TTGYQNDSPL

ClinVar aggregate classification (germline): Uncertain significance. Review status: criteria provided, multiple submitters, no conflicts (2 of 4 stars). 2 submissions from 2 submitters: Uncertain significance (2). Last evaluated 2026-02-03.

Conditions:
Hereditary cancer-predisposing syndrome. Also called: Neoplastic Syndromes, Hereditary; Tumor predisposition; Hereditary Cancer Syndrome; Hereditary neoplastic syndrome. Identifiers: Orphanet 140162, MedGen C0027672, MeSH D009386, MONDO:0015356.
Familial cancer of breast. Also called: BREAST CANCER, FAMILIAL; hereditary breast carcinoma; Hereditary breast cancer. Identifiers: Orphanet 227535, MedGen C0346153, MONDO:0016419, OMIM 114480. Disease mechanism: loss of function.

Allele frequency attached by ClinVar (database versions not stated): gnomAD 0.00001; TOPMed 0.00001.

Submissions (2):

Labcorp Genetics (formerly Invitae), Labcorp
Classification: Uncertain significance for Familial cancer of breast. Last evaluated: 2026-02-03. Review status: criteria provided, single submitter. Criteria: Invitae Variant Classification Sherloc (09022015). Collection method: clinical testing. Allele origin: germline.
Comment: This sequence change replaces asparagine, which is neutral and polar, with aspartic acid, which is acidic and polar, at codon 488 of the BARD1 protein (p.Asn488Asp). This variant is not present in population databases (gnomAD no frequency). This variant has not been reported in the literature in individuals affected with BARD1-related conditions. ClinVar contains an entry for this variant (Variation ID: 232130). An algorithm developed to predict the effect of missense changes on protein structure and function (PolyPhen-2) suggests that this variant is likely to be disruptive. In summary, the available evidence is currently insufficient to determine the role of this variant in disease. Therefore, it has been classified as a Variant of Uncertain Significance.

Ambry Genetics
Classification: Uncertain significance for Hereditary cancer-predisposing syndrome. Last evaluated: 2025-08-03. Review status: criteria provided, single submitter. Criteria: Ambry Variant Classification Scheme 2023. Collection method: clinical testing. Allele origin: germline.
Comment: The p.N488D variant (also known as c.1462A>G), located in coding exon 6 of the BARD1 gene, results from an A to G substitution at nucleotide position 1462. The asparagine at codon 488 is replaced by aspartic acid, an amino acid with highly similar properties. This variant was identified in a cohort of 3,579 African males diagnosed with prostate cancer who underwent multi-gene panel testing of 19 DNA repair and cancer predisposition genes (Matejcic M et al. JCO Precis Oncol, 2020 Jan;4:32-43). This amino acid position is highly conserved in available vertebrate species. In addition, the in silico prediction for this alteration is inconclusive. Since supporting evidence is limited at this time, the clinical significance of this alteration remains unclear.

Literature cited by the submitters: PubMed 32832836 (cited by Ambry Genetics).